The following is an entry in ClinVar:

NM_000384.3(APOB):c.12621A>T (p.Lys4207Asn)

Gene: APOB (apolipoprotein B; minus strand). Cytogenetic location: 2p24.1.
Variant type: single nucleotide variant.
Coding change: c.12621A>T on transcript NM_000384.3 (MANE Select); coding-DNA position 12621, A replaced by T.
Protein change: p.Lys4207Asn; replaces lysine 4207 with asparagine.
Molecular consequence: missense variant.
Genome position (GRCh38, 1-based): chr2:21,002,801, T>A on the plus strand (A>T on the coding strand, the complement: APOB is on the minus strand). VCF-style: chr2-21002801-T-A. GRCh37 (hg19) VCF-style: chr2-21225673-T-A.
Other names: short protein forms K4207N.
Identifiers: ClinVar variation 3308110 (VCV003308110.3).

ClinVar aggregate classification (germline): Uncertain significance. Review status: criteria provided, multiple submitters, no conflicts (2 of 4 stars). 2 submissions from 2 submitters: Uncertain significance (2). Last evaluated 2024-10-19.

Conditions:
Cardiovascular phenotype. Identifiers: MedGen CN230736.
Familial hypobetalipoproteinemia 1. Also called: Hypobetalipoproteinemia, normotriglyceridemic; Acanthocytosis with hypobetalipoproteinemia; APOB-Related Familial Hypobetalipoproteinemia. Identifiers: MedGen C4551990, MONDO:0014252, OMIM 615558.
Hypercholesterolemia, autosomal dominant, type B (FHCL2). Also called: Familial Hypercholesterolemia Type B; APOLIPOPROTEIN B-100, FAMILIAL DEFECTIVE; APOLIPOPROTEIN B-100, FAMILIAL LIGAND-DEFECTIVE; HYPERCHOLESTEROLEMIA, FAMILIAL, DUE TO LIGAND-DEFECTIVE APOLIPOPROTEIN B; Hyperlipoproteinemia Type IIb; Familial hypercholesterolemia 2. Identifiers: MedGen C1704417, MONDO:0007751, OMIM 144010.

Submissions (2):

Labcorp Genetics (formerly Invitae), Labcorp
Classification: Uncertain significance for Familial hypobetalipoproteinemia 1; Hypercholesterolemia, autosomal dominant, type B. Last evaluated: 2024-10-19. Review status: criteria provided, single submitter. Criteria: Invitae Variant Classification Sherloc (09022015). Collection method: clinical testing. Allele origin: germline.
Comment: This sequence change replaces lysine, which is basic and polar, with asparagine, which is neutral and polar, at codon 4207 of the APOB protein (p.Lys4207Asn). This variant is not present in population databases (gnomAD no frequency). This variant has not been reported in the literature in individuals affected with APOB-related conditions. Invitae Evidence Modeling of protein sequence and biophysical properties (such as structural, functional, and spatial information, amino acid conservation, physicochemical variation, residue mobility, and thermodynamic stability) indicates that this missense variant is not expected to disrupt APOB protein function with a negative predictive value of 95%. In summary, the available evidence is currently insufficient to determine the role of this variant in disease. Therefore, it has been classified as a Variant of Uncertain Significance.

Ambry Genetics
Classification: Uncertain significance for Cardiovascular phenotype. Last evaluated: 2024-06-23. Review status: criteria provided, single submitter. Criteria: Ambry Variant Classification Scheme 2023. Collection method: clinical testing. Allele origin: germline.
Comment: The p.K4207N variant (also known as c.12621A>T), located in coding exon 29 of the APOB gene, results from an A to T substitution at nucleotide position 12621. The lysine at codon 4207 is replaced by asparagine, an amino acid with similar properties. This amino acid position is conserved. In addition, this alteration is predicted to be tolerated by in silico analysis. Based on the available evidence, the clinical significance of this variant remains unclear.